The following is an entry in ClinVar:

NM_006267.5(RANBP2):c.4530A>G (p.Leu1510=)

Gene: RANBP2 (RAN binding protein 2; plus strand). Cytogenetic location: 2q13.
Variant type: single nucleotide variant.
Coding change: c.4530A>G on transcript NM_006267.5 (MANE Select); coding-DNA position 4530, A replaced by G.
Protein change: p.Leu1510=; no amino-acid change (leucine 1510 retained).
Molecular consequence: synonymous variant.
Genome position (GRCh38, 1-based): chr2:108,765,069, A>G. VCF-style: chr2-108765069-A-G. GRCh37 (hg19) VCF-style: chr2-109381525-A-G.
Identifiers: ClinVar variation 469461 (VCV000469461.15), dbSNP rs111676038, ClinGen allele CA1823130.

ClinVar aggregate classification (germline): Benign/Likely benign. Review status: criteria provided, multiple submitters, no conflicts (2 of 4 stars). 4 submissions from 4 submitters: Benign (1); Likely benign (3). Last evaluated 2025-08-18.

Conditions:
Familial acute necrotizing encephalopathy (IIAE3). Also called: Susceptibility to Acute Necrotizing Encephalopathy 1; ENCEPHALOPATHY, ACUTE, INFECTION-INDUCED, SUSCEPTIBILITY TO, 3. Identifiers: Orphanet 88619, MedGen C2675556, MONDO:0011953, OMIM 608033.

Allele frequency attached by ClinVar (database versions not stated): gnomAD exomes 0.00013 and 0.00031; ExAC 0.00038; 1000 Genomes Project 30x 0.00094; gnomAD 0.00098 and 0.00105; ESP Exome Variant Server 0.00100; TOPMed 0.00119; 1000 Genomes Project 0.00120.
gnomAD v4.1: 373 of 1,614,080 alleles (0.023%); highest among the groups gnomAD compares: African/African-American, 0.39%; 1 homozygote.

Submissions (4):

Labcorp Genetics (formerly Invitae), Labcorp
Classification: Benign for Familial acute necrotizing encephalopathy. Last evaluated: 2025-08-18. Review status: criteria provided, single submitter. Criteria: Invitae Variant Classification Sherloc (09022015). Collection method: clinical testing. Allele origin: germline.

Blueprint Genetics
Classification: Likely benign. Last evaluated: 2024-09-16. Review status: criteria provided, single submitter. Criteria: ACMG Guidelines, 2015. Collection method: clinical testing. Allele origin: germline.

GeneDx
Classification: Likely benign. Last evaluated: 2017-10-12. Review status: criteria provided, single submitter. Criteria: GeneDx Variant Classification (06012015). Collection method: clinical testing. Allele origin: germline. Affected: yes.
Comment: This variant is considered likely benign or benign based on one or more of the following criteria: it is a conservative change, it occurs at a poorly conserved position in the protein, it is predicted to be benign by multiple in silico algorithms, and/or has population frequency not consistent with disease.

Breakthrough Genomics
Classification: Likely benign. Review status: criteria provided, single submitter. Criteria: ACMG Guidelines, 2015. Collection method: not provided. Allele origin: germline. Inheritance: Autosomal dominant inheritance. Affected: yes.